The following is an entry in ClinVar:

NM_001457.4(FLNB):c.5842C>T (p.Arg1948Ter)

Gene: FLNB (filamin B; plus strand). Cytogenetic location: 3p14.3.
Variant type: single nucleotide variant.
Coding change: c.5842C>T on transcript NM_001457.4 (MANE Select); coding-DNA position 5842, C replaced by T.
Protein change: p.Arg1948Ter; replaces arginine 1948 with a stop codon.
Molecular consequence: nonsense.
Genome position (GRCh38, 1-based): chr3:58,148,319, C>T. VCF-style: chr3-58148319-C-T. GRCh37 (hg19) VCF-style: chr3-58134046-C-T.
Other names: c.5935C>T, p.Arg1979Ter (NM_001164317.2); c.5809C>T, p.Arg1937Ter (NM_001164318.2); c.5770C>T, p.Arg1924Ter (NM_001164319.2); short protein forms R1924*, R1937*, R1948*, R1979*.
Identifiers: ClinVar variation 1383728 (VCV001383728.8), dbSNP rs775301566, ClinGen allele CA353355819.

ClinVar aggregate classification (germline): Pathogenic. Review status: criteria provided, multiple submitters, no conflicts (2 of 4 stars). 2 submissions from 2 submitters: Pathogenic (2). Last evaluated 2022-02-09.

Conditions:
Spondylocarpotarsal synostosis syndrome (SCT). Also called: Spondylocarpotarsal Synostosis Syndrome (FLNB-SCT); SPONDYLOCARPOTARSAL SYNDROME; VERTEBRAL FUSION WITH CARPAL COALITION; Synspondylism congenital; Scoliosis, congenital with unilateral unsegmented bar. Identifiers: Orphanet 3275, MedGen C1848934, MONDO:0010094, OMIM 272460.

gnomAD v4.1: 2 of 1,613,978 alleles (0.00012%); highest among the groups gnomAD compares: African/African-American, 0.0013%; no homozygotes.

Submissions (2):

Labcorp Genetics (formerly Invitae), Labcorp
Classification: Pathogenic. Last evaluated: 2022-02-09. Review status: criteria provided, single submitter. Criteria: Invitae Variant Classification Sherloc (09022015). Collection method: clinical testing. Allele origin: germline.
Comment: This sequence change creates a premature translational stop signal (p.Arg1948*) in the FLNB gene. It is expected to result in an absent or disrupted protein product. Loss-of-function variants in FLNB are known to be pathogenic (PMID: 14991055). This variant is not present in population databases (gnomAD no frequency). This variant has not been reported in the literature in individuals affected with FLNB-related conditions. For these reasons, this variant has been classified as Pathogenic.

Genetics and Molecular Pathology, SA Pathology
Classification: Pathogenic for Spondylocarpotarsal synostosis syndrome. Last evaluated: 2020-12-17. Review status: criteria provided, single submitter. Criteria: ACMG Guidelines, 2015. Collection method: clinical testing. Allele origin: germline. Inheritance: Autosomal recessive inheritance.
Comment: The FLNB c.5842C>T variant is classified as Pathogenic (PM2, PS2, PVS1) The FLNB c.5842C>T variant is a single nucleotide change which is predicted to result in premature termination of the protein product at codon 1948 (PVS1). This variant is in dbSNP (rs775301566) but is absent from population databases (PM2). It has not been reported in the ClinVar or HGMD disease databases.

Literature cited by the submitters: PubMed 14991055 (cited by Labcorp Genetics (formerly Invitae), Labcorp).